The following is an entry in ClinVar:

ClinVar aggregate classification (germline): Uncertain significance. Review status: criteria provided, multiple submitters, no conflicts (2 of 4 stars). 2 submissions from 2 submitters: Uncertain significance (2). Last evaluated 2026-01-05.

Conditions:
Hereditary cancer-predisposing syndrome. Also called: Neoplastic Syndromes, Hereditary; Tumor predisposition; Hereditary Cancer Syndrome; Hereditary neoplastic syndrome. Identifiers: Orphanet 140162, MedGen C0027672, MeSH D009386, MONDO:0015356.
Cardiovascular phenotype. Identifiers: MedGen CN230736.

gnomAD v4.1: 1 of 1,613,846 alleles (0.000062%); no homozygotes.

Submissions (2):

Labcorp Genetics (formerly Invitae), Labcorp
Classification: Uncertain significance. Last evaluated: 2026-01-05. Review status: criteria provided, single submitter. Criteria: Invitae Variant Classification Sherloc (09022015). Collection method: clinical testing. Allele origin: germline.
Comment: This sequence change replaces serine, which is neutral and polar, with arginine, which is basic and polar, at codon 247 of the LZTR1 protein (p.Ser247Arg). This variant is not present in population databases (gnomAD no frequency). This missense change has been observed in individual(s) with LZTR1-related conditions (PMID: 36307859, 37264205). ClinVar contains an entry for this variant (Variation ID: 1758819). Invitae Evidence Modeling of protein sequence and biophysical properties (such as structural, functional, and spatial information, amino acid conservation, physicochemical variation, residue mobility, and thermodynamic stability) indicates that this missense variant is not expected to disrupt LZTR1 protein function with a negative predictive value of 80%. In summary, the available evidence is currently insufficient to determine the role of this variant in disease. Therefore, it has been classified as a Variant of Uncertain Significance.

Ambry Genetics
Classification: Uncertain significance for Cardiovascular phenotype; Hereditary cancer-predisposing syndrome. Last evaluated: 2021-11-23. Review status: criteria provided, single submitter. Criteria: Ambry Variant Classification Scheme 2023. Collection method: clinical testing. Allele origin: germline.
Comment: The p.S247R variant (also known as c.741C>A), located in coding exon 8 of the LZTR1 gene, results from a C to A substitution at nucleotide position 741. The serine at codon 247 is replaced by arginine, an amino acid with dissimilar properties. This amino acid position is highly conserved in available vertebrate species. In addition, the in silico prediction for this alteration is inconclusive. Since supporting evidence is limited at this time, the clinical significance of this alteration remains unclear.

Literature cited by the submitters: PubMed 36307859 (cited by Labcorp Genetics (formerly Invitae), Labcorp); PubMed 37264205 (cited by Labcorp Genetics (formerly Invitae), Labcorp).

NM_006767.4(LZTR1):c.741C>A (p.Ser247Arg)

Gene: LZTR1 (leucine zipper like post translational regulator 1; plus strand). Cytogenetic location: 22q11.21.
Variant type: single nucleotide variant.
Coding change: c.741C>A on transcript NM_006767.4 (MANE Select); coding-DNA position 741, C replaced by A.
Protein change: p.Ser247Arg; replaces serine 247 with arginine.
Molecular consequence: missense variant.
Genome position (GRCh38, 1-based): chr22:20,990,475, C>A. VCF-style: chr22-20990475-C-A. GRCh37 (hg19) VCF-style: chr22-21344764-C-A.
Other names: short protein forms S247R.
Identifiers: ClinVar variation 1758819 (VCV001758819.3), dbSNP rs114458679, ClinGen allele CA410780601.